The following is an entry in ClinVar:

ClinVar aggregate classification (germline): Likely benign. Review status: criteria provided, multiple submitters, no conflicts (2 of 4 stars). 2 submissions from 2 submitters: Likely benign (2). Last evaluated 2026-05-01.

Conditions:
TULP1-related disorder. Also called: TULP1-related condition; TULP1-related disorders.

Allele frequency attached by ClinVar (database versions not stated): gnomAD exomes below 0.00001 and 0.00001; ExAC 0.00002; gnomAD 0.00002 and 0.00003; TOPMed 0.00005; 1000 Genomes Project 30x 0.00016; 1000 Genomes Project 0.00020.
gnomAD v4.1: 7 of 1,613,852 alleles (0.00043%); highest among the groups gnomAD compares: African/African-American, 0.008%; no homozygotes.

Submissions (2):

PreventionGenetics, part of Exact Sciences
Classification: Likely benign for TULP1-related condition. Last evaluated: 2026-05-01. Review status: criteria provided, single submitter. Criteria: ACMG Guidelines, 2015. Collection method: clinical testing. Allele origin: germline.
Comment: This variant is classified as likely benign based on ACMG/AMP sequence variant interpretation guidelines (Richards et al. 2015 PMID: 25741868, with internal and published modifications).

Labcorp Genetics (formerly Invitae), Labcorp
Classification: Likely benign. Last evaluated: 2025-04-28. Review status: criteria provided, single submitter. Criteria: Invitae Variant Classification Sherloc (09022015). Collection method: clinical testing. Allele origin: germline.

NM_003322.6(TULP1):c.732C>T (p.Gly244=)

Gene: TULP1 (TUB like protein 1; minus strand). Cytogenetic location: 6p21.31.
Variant type: single nucleotide variant.
Coding change: c.732C>T on transcript NM_003322.6 (MANE Select); coding-DNA position 732, C replaced by T.
Protein change: p.Gly244=; no amino-acid change (glycine 244 retained).
Molecular consequence: synonymous variant.
Genome position (GRCh38, 1-based): chr6:35,509,299, G>A on the plus strand (C>T on the coding strand, the complement: TULP1 is on the minus strand). VCF-style: chr6-35509299-G-A. GRCh37 (hg19) VCF-style: chr6-35477076-G-A.
Other names: c.732C>T (NM_003322.5); c.573C>T, p.Gly191= (NM_001289395.2).
Identifiers: ClinVar variation 1038676 (VCV001038676.10), dbSNP rs201670161, ClinGen allele CA3772817.